The following is an entry in ClinVar:

ClinVar aggregate classification (germline): Uncertain significance (1 of 4 stars; one submission).

Conditions:
DNA ligase IV deficiency. Identifiers: Orphanet 99812, MedGen C1847827, MONDO:0011686, OMIM 606593.

Submission:

Labcorp Genetics (formerly Invitae), Labcorp
Classification: Uncertain significance for DNA ligase IV deficiency. Last evaluated: 2025-08-20. Review status: criteria provided, single submitter. Criteria: Invitae Variant Classification Sherloc (09022015). Collection method: clinical testing. Allele origin: germline.
Comment: This sequence change replaces histidine, which is basic and polar, with arginine, which is basic and polar, at codon 265 of the LIG4 protein (p.His265Arg). This variant is not present in population databases (gnomAD no frequency). This variant has not been reported in the literature in individuals affected with LIG4-related conditions. Invitae Evidence Modeling of protein sequence and biophysical properties (such as structural, functional, and spatial information, amino acid conservation, physicochemical variation, residue mobility, and thermodynamic stability) has been performed for this missense variant. However, the output from this modeling did not meet the statistical confidence thresholds required to predict the impact of this variant on LIG4 protein function. In summary, the available evidence is currently insufficient to determine the role of this variant in disease. Therefore, it has been classified as a Variant of Uncertain Significance.

NM_206937.2(LIG4):c.794A>G (p.His265Arg)

Gene: LIG4 (DNA ligase 4; minus strand). Cytogenetic location: 13q33.3.
Variant type: single nucleotide variant.
Coding change: c.794A>G on transcript NM_206937.2 (MANE Select); coding-DNA position 794, A replaced by G.
Protein change: p.His265Arg; replaces histidine 265 with arginine.
Molecular consequence: missense variant.
Genome position (GRCh38, 1-based): chr13:108,210,475, T>C on the plus strand (A>G on the coding strand, the complement: LIG4 is on the minus strand). VCF-style: chr13-108210475-T-C. GRCh37 (hg19) VCF-style: chr13-108862823-T-C.
Other names: c.794A>G, p.His265Arg (NM_001098268.2, NM_001352598.2, NM_001352599.2 and 6 more transcripts); c.593A>G, p.His198Arg (NM_001330595.2); c.830A>G, p.His277Arg (NM_001352604.2); short protein forms H277R, H198R, H265R.
Identifiers: ClinVar variation 4720928 (VCV004720928.1).
Genomic context (GRCh38, chr13:108,210,475, plus strand): 5'-CCATCTTTGTGCATTTGCATACGTTCACCATCTAGCTTGGTTTCTATGTAGAAACTCTGA[T>C]GTTTCATATCCTTCTCAATGTGCTCAATATCTGCAATAGCAGCTAGCATTGGTTTAAATG-3'
Protein context (NP_996820.1, residues 255-275): DIEHIEKDMK[His265Arg]QSFYIETKLD